The following is an entry in ClinVar:

NM_004656.4(BAP1):c.1903C>G (p.Leu635Val)

Gene: BAP1 (BRCA1 associated deubiquitinase 1; minus strand). Cytogenetic location: 3p21.1.
Variant type: single nucleotide variant.
Coding change: c.1903C>G on transcript NM_004656.4 (MANE Select); coding-DNA position 1903, C replaced by G.
Protein change: p.Leu635Val; replaces leucine 635 with valine.
Molecular consequence: missense variant.
Genome position (GRCh38, 1-based): chr3:52,402,859, G>C on the plus strand (C>G on the coding strand, the complement: BAP1 is on the minus strand). VCF-style: chr3-52402859-G-C. GRCh37 (hg19) VCF-style: chr3-52436875-G-C.
Other names: short protein forms L635V.
Identifiers: ClinVar variation 628081 (VCV000628081.5), dbSNP rs1559585460, ClinGen allele CA353096929.

ClinVar aggregate classification (germline): Uncertain significance (1 of 4 stars; one submission).

Conditions:
Hereditary cancer-predisposing syndrome. Also called: Neoplastic Syndromes, Hereditary; Tumor predisposition; Hereditary neoplastic syndrome; Hereditary Cancer Syndrome. Identifiers: Orphanet 140162, MedGen C0027672, MeSH D009386, MONDO:0015356.

gnomAD v4.1: 1 of 1,614,156 alleles (0.000062%); highest among the groups gnomAD compares: South Asian, 0.0011%; no homozygotes.

Submission:

Color Diagnostics, LLC DBA Color Health
Classification: Uncertain significance for Hereditary cancer-predisposing syndrome. Last evaluated: 2023-12-04. Review status: criteria provided, single submitter. Criteria: ACMG Guidelines, 2015. Collection method: clinical testing. Allele origin: germline.
Comment: This missense variant replaces leucine with valine at codon 635 of the BAP1 protein. Computational prediction suggests that this variant may not impact protein structure and function (internally defined REVEL score threshold <= 0.5, PMID: 27666373). To our knowledge, functional studies have not been reported for this variant. This variant has not been reported in individuals affected with BAP1-related disorders in the literature. This variant has not been identified in the general population by the Genome Aggregation Database (gnomAD). The available evidence is insufficient to determine the role of this variant in disease conclusively. Therefore, this variant is classified as a Variant of Uncertain Significance.